The following is an entry in ClinVar:

NM_000701.8(ATP1A1):c.1746T>G (p.Asn582Lys)

Genes: ATP1A1 (ATPase Na+/K+ transporting subunit alpha 1; plus strand), ATP1A1-AS1 (ATP1A1 antisense RNA 1; minus strand). Cytogenetic location: 1p13.1.
Variant type: single nucleotide variant.
Coding change: c.1746T>G on transcript NM_000701.8 (MANE Select); coding-DNA position 1746, T replaced by G.
Protein change: p.Asn582Lys; replaces asparagine 582 with lysine.
Molecular consequence: missense variant.
Genome position (GRCh38, 1-based): chr1:116,395,195, T>G. VCF-style: chr1-116395195-T-G. GRCh37 (hg19) VCF-style: chr1-116937817-T-G.
Other names: c.1746T>G, p.Asn582Lys (NM_001160233.2); c.1653T>G, p.Asn551Lys (NM_001160234.2); short protein forms N551K, N582K.
Identifiers: ClinVar variation 2908146 (VCV002908146.3), dbSNP rs369543323, ClinGen allele CA29662490.

ClinVar aggregate classification (germline): Uncertain significance (1 of 4 stars; one submission).

Allele frequency attached by ClinVar (database versions not stated): gnomAD exomes below 0.00001; TOPMed 0.00002; gnomAD 0.00003; ESP Exome Variant Server 0.00008.
gnomAD v4.1: 11 of 1,614,070 alleles (0.00068%); highest among the groups gnomAD compares: African/African-American, 0.015%; no homozygotes.

Submission:

Labcorp Genetics (formerly Invitae), Labcorp
Classification: Uncertain significance. Last evaluated: 2023-04-11. Review status: criteria provided, single submitter. Criteria: Invitae Variant Classification Sherloc (09022015). Collection method: clinical testing. Allele origin: germline.
Comment: In summary, the available evidence is currently insufficient to determine the role of this variant in disease. Therefore, it has been classified as a Variant of Uncertain Significance. Advanced modeling of protein sequence and biophysical properties (such as structural, functional, and spatial information, amino acid conservation, physicochemical variation, residue mobility, and thermodynamic stability) performed at Invitae indicates that this missense variant is not expected to disrupt ATP1A1 protein function. This variant has not been reported in the literature in individuals affected with ATP1A1-related conditions. This variant is present in population databases (rs369543323, gnomAD 0.007%). This sequence change replaces asparagine, which is neutral and polar, with lysine, which is basic and polar, at codon 582 of the ATP1A1 protein (p.Asn582Lys).